The following is an entry in ClinVar:

NM_001130823.3(DNMT1):c.2676C>T (p.Phe892=)

Gene: DNMT1 (DNA methyltransferase 1; minus strand). Cytogenetic location: 19p13.2.
Variant type: single nucleotide variant.
Coding change: c.2676C>T on transcript NM_001130823.3 (MANE Select); coding-DNA position 2676, C replaced by T.
Protein change: p.Phe892=; no amino-acid change (phenylalanine 892 retained).
Molecular consequence: synonymous variant.
Genome position (GRCh38, 1-based): chr19:10,148,928, G>A on the plus strand (C>T on the coding strand, the complement: DNMT1 is on the minus strand). VCF-style: chr19-10148928-G-A. GRCh37 (hg19) VCF-style: chr19-10259604-G-A.
Other names: c.2676C>T (LRG_362t1, NM_001130823.2); c.2628C>T, p.Phe876= (NM_001318730.2, NM_001379.4); c.2313C>T, p.Phe771= (NM_001318731.2).
Identifiers: ClinVar variation 286502 (VCV000286502.43), dbSNP rs139861062, ClinGen allele CA9187977.

ClinVar aggregate classification (germline): Benign/Likely benign. Review status: criteria provided, multiple submitters, no conflicts (2 of 4 stars). 7 submissions from 7 submitters: Benign (4); Likely benign (3). Last evaluated 2026-01-27.

Conditions:
DNMT1-related disorder. Also called: DNMT1-related condition. Identifiers: MedGen CN381527.
Hereditary sensory neuropathy-deafness-dementia syndrome. Also called: HSN IE; Hereditary sensory neuropathy type IE; NEUROPATHY, HEREDITARY SENSORY, WITH HEARING LOSS AND DEMENTIA; Hereditary Sensory and Autonomic Neuropathy Type 1E (HSAN1E). Identifiers: Orphanet 456318, MedGen C3279885, MONDO:0013584, OMIM 614116.

Allele frequency attached by ClinVar (database versions not stated): gnomAD exomes 0.00010 and 0.00028; ExAC 0.00032; 1000 Genomes Project 0.00080; 1000 Genomes Project 30x 0.00094; gnomAD 0.00100 and 0.00108; TOPMed 0.00129; ESP Exome Variant Server 0.00146.
gnomAD v4.1: 310 of 1,614,176 alleles (0.019%); highest among the groups gnomAD compares: African/African-American, 0.33%; no homozygotes.

Submissions (7):

Labcorp Genetics (formerly Invitae), Labcorp
Classification: Benign for Hereditary sensory neuropathy-deafness-dementia syndrome. Last evaluated: 2026-01-27. Review status: criteria provided, single submitter. Criteria: Invitae Variant Classification Sherloc (09022015). Collection method: clinical testing. Allele origin: germline.

PreventionGenetics, part of Exact Sciences
Classification: Likely benign for DNMT1-related condition. Last evaluated: 2025-07-28. Review status: criteria provided, single submitter. Criteria: ACMG Guidelines, 2015. Collection method: clinical testing. Allele origin: germline.
Comment: This variant is classified as likely benign based on ACMG/AMP sequence variant interpretation guidelines (Richards et al. 2015 PMID: 25741868, with internal and published modifications).

Blueprint Genetics
Classification: Likely benign. Last evaluated: 2024-09-06. Review status: criteria provided, single submitter. Criteria: ACMG Guidelines, 2015. Collection method: clinical testing. Allele origin: germline.

CeGaT Center for Human Genetics Tuebingen
Classification: Likely benign. Last evaluated: 2022-12-01. Review status: criteria provided, single submitter. Criteria: CeGaT Center For Human Genetics Tuebingen Variant Classification Criteria Version 2. Collection method: clinical testing. Allele origin: germline. Affected: yes. Observed: 2 variant alleles.
Comment: DNMT1: BP4, BP7, BS1

GeneDx
Classification: Benign. Last evaluated: 2020-09-29. Review status: criteria provided, single submitter. Criteria: GeneDx Variant Classification Process June 2021. Collection method: clinical testing. Allele origin: germline. Affected: yes.

Eurofins Ntd Llc (ga)
Classification: Benign. Last evaluated: 2016-04-07. Review status: criteria provided, single submitter. Criteria: EGL Classification Definitions 2015. Collection method: clinical testing. Allele origin: germline. Observed: 1 variant allele, 1 heterozygote.

Breakthrough Genomics
Classification: Benign. Review status: criteria provided, single submitter. Criteria: ACMG Guidelines, 2015. Collection method: not provided. Allele origin: germline. Inheritance: Autosomal dominant inheritance. Affected: yes.